The following is an entry in ClinVar:

ClinVar aggregate classification (germline): Uncertain significance (1 of 4 stars; one submission).

Conditions:
Long QT syndrome (LQTS). Identifiers: MedGen C0023976, MeSH D008133, MONDO:0002442. Disease mechanism: loss of function. Inheritance: Various modes of inheritance.

gnomAD v4.1: 1 of 1,613,838 alleles (0.000062%); highest among the groups gnomAD compares: Admixed American, 0.0017%; no homozygotes.

Submission:

Labcorp Genetics (formerly Invitae), Labcorp
Classification: Uncertain significance for Long QT syndrome. Last evaluated: 2024-03-28. Review status: criteria provided, single submitter. Criteria: Invitae Variant Classification Sherloc (09022015). Collection method: clinical testing. Allele origin: germline.
Comment: This sequence change replaces aspartic acid, which is acidic and polar, with histidine, which is basic and polar, at codon 582 of the KCNQ1 protein (p.Asp582His). This variant is not present in population databases (gnomAD no frequency). This variant has not been reported in the literature in individuals affected with KCNQ1-related conditions. Advanced modeling of protein sequence and biophysical properties (such as structural, functional, and spatial information, amino acid conservation, physicochemical variation, residue mobility, and thermodynamic stability) performed at Invitae indicates that this missense variant is expected to disrupt KCNQ1 protein function with a positive predictive value of 95%. In summary, the available evidence is currently insufficient to determine the role of this variant in disease. Therefore, it has been classified as a Variant of Uncertain Significance.

NM_000218.3(KCNQ1):c.1744G>C (p.Asp582His)

Gene: KCNQ1 (potassium voltage-gated channel subfamily Q member 1; plus strand). Cytogenetic location: 11p15.5.
Variant type: single nucleotide variant.
Coding change: c.1744G>C on transcript NM_000218.3 (MANE Select); coding-DNA position 1744, G replaced by C.
Protein change: p.Asp582His; replaces aspartic acid 582 with histidine.
Molecular consequence: missense variant.
Genome position (GRCh38, 1-based): chr11:2,777,987, G>C. VCF-style: chr11-2777987-G-C. GRCh37 (hg19) VCF-style: chr11-2799217-G-C.
Other names: c.1648G>C, p.Asp550His (NM_001406836.1); c.1474G>C, p.Asp492His (NM_001406837.1); c.1204G>C, p.Asp402His (NM_001406838.1); c.256G>C, p.Asp86His (NM_001406839.1); c.1363G>C, p.Asp455His (NM_181798.2); short protein forms D455H, D86H, D550H, D582H, D402H, D492H.
Identifiers: ClinVar variation 3701421 (VCV003701421.2).